The following is an entry in ClinVar:

ClinVar aggregate classification (germline): Uncertain significance (1 of 4 stars; one submission).

Submission:

GeneDx
Classification: Uncertain significance. Last evaluated: 2023-11-07. Review status: criteria provided, single submitter. Criteria: GeneDx Variant Classification Process June 2021. Collection method: clinical testing. Allele origin: germline. Affected: yes.
Comment: Not observed at significant frequency in large population cohorts (gnomAD); In silico analysis supports that this missense variant has a deleterious effect on protein structure/function; Has not been previously published as pathogenic or benign to our knowledge

NM_001282531.3(ADNP):c.2507A>G (p.His836Arg)

Gene: ADNP (activity dependent neuroprotector homeobox; minus strand). Cytogenetic location: 20q13.13.
Variant type: single nucleotide variant.
Coding change: c.2507A>G on transcript NM_001282531.3 (MANE Select); coding-DNA position 2507, A replaced by G.
Protein change: p.His836Arg; replaces histidine 836 with arginine.
Molecular consequence: missense variant.
Genome position (GRCh38, 1-based): chr20:50,892,207, T>C on the plus strand (A>G on the coding strand, the complement: ADNP is on the minus strand). VCF-style: chr20-50892207-T-C. GRCh37 (hg19) VCF-style: chr20-49508744-T-C.
Other names: c.2507A>G, p.His836Arg (NM_001282532.2, NM_001347511.2, NM_015339.5 and 1 more transcripts); short protein forms H836R.
Identifiers: ClinVar variation 3364024 (VCV003364024.1).
Genomic context (GRCh38, chr20:50,892,207, plus strand): 5'-ACTCTGGAATCCTTCTCATCATGATTTTCAAATAGCCACTCAGCATCAAAATCCATCTCA[T>C]GCTTGACTTTATTTAATTCTTTCATGTTAAACCCCAGCAACACGCCAGGCTTGTACTTTT-3'
Protein context (NP_001269460.1, residues 826-846): FNMKELNKVK[His836Arg]EMDFDAEWLF